The following is an entry in ClinVar:

NM_006031.6(PCNT):c.3103C>T (p.Arg1035Ter)

Gene: PCNT (pericentrin; plus strand). Cytogenetic location: 21q22.3.
Variant type: single nucleotide variant.
Coding change: c.3103C>T on transcript NM_006031.6 (MANE Select); coding-DNA position 3103, C replaced by T.
Protein change: p.Arg1035Ter; replaces arginine 1035 with a stop codon.
Molecular consequence: nonsense.
Genome position (GRCh38, 1-based): chr21:46,367,077, C>T. VCF-style: chr21-46367077-C-T. GRCh37 (hg19) VCF-style: chr21-47786992-C-T.
Other names: c.2749C>T, p.Arg917Ter (NM_001315529.2); short protein forms R1035*, R917*.
Identifiers: ClinVar variation 3929679 (VCV003929679.1).

ClinVar aggregate classification (germline): Pathogenic (1 of 4 stars; one submission).

Conditions:
Inborn genetic diseases. Identifiers: MedGen C0950123, MeSH D030342.

gnomAD v4.1: 7 of 1,613,736 alleles (0.00043%); highest among the groups gnomAD compares: Admixed American, 0.0017%; no homozygotes.

Submission:

Ambry Genetics
Classification: Pathogenic for Inborn genetic diseases. Last evaluated: 2025-04-22. Review status: criteria provided, single submitter. Criteria: Ambry Variant Classification Scheme 2023. Collection method: clinical testing. Allele origin: germline.
Comment: The c.3103C>T (p.R1035*) alteration, located in exon 15 (coding exon 15) of the PCNT gene, consists of a C to T substitution at nucleotide position 3103. This changes the amino acid from a arginine (R) to a stop codon at amino acid position 1035. This alteration is expected to result in loss of function by premature protein truncation or nonsense-mediated mRNA decay. Based on data from gnomAD, the T allele has an overall frequency of <0.001% (1/249798) total alleles studied. The highest observed frequency was 0.001% (1/112508) of European (non-Finnish) alleles. This variant has been identified in the homozygous state and/or in conjunction with other PCNT variant(s) in individual(s) with features consistent with PCNT-related microcephalic osteodysplastic primordial dwarfism (Li, 2022). Based on the available evidence, this alteration is classified as pathogenic.

Literature cited by the submitters: PubMed 34850017.